The following is an entry in ClinVar:

ClinVar aggregate classification (germline): Uncertain significance (1 of 4 stars; one submission).

Allele frequency attached by ClinVar (database versions not stated): gnomAD exomes 0.00001; TOPMed 0.00001; gnomAD 0.00002.
gnomAD v4.1: 16 of 1,614,076 alleles (0.00099%); highest among the groups gnomAD compares: Non-Finnish European, 0.0012%; no homozygotes.

Submission:

Labcorp Genetics (formerly Invitae), Labcorp
Classification: Uncertain significance. Last evaluated: 2024-04-10. Review status: criteria provided, single submitter. Criteria: Invitae Variant Classification Sherloc (09022015). Collection method: clinical testing. Allele origin: germline.
Comment: This sequence change replaces valine, which is neutral and non-polar, with phenylalanine, which is neutral and non-polar, at codon 1835 of the SRCAP protein (p.Val1835Phe). This variant is not present in population databases (gnomAD no frequency). This variant has not been reported in the literature in individuals affected with SRCAP-related conditions. Advanced modeling of protein sequence and biophysical properties (such as structural, functional, and spatial information, amino acid conservation, physicochemical variation, residue mobility, and thermodynamic stability) has been performed at Invitae for this missense variant, however the output from this modeling did not meet the statistical confidence thresholds required to predict the impact of this variant on SRCAP protein function. In summary, the available evidence is currently insufficient to determine the role of this variant in disease. Therefore, it has been classified as a Variant of Uncertain Significance.

NM_006662.3(SRCAP):c.5503G>T (p.Val1835Phe)

Gene: SRCAP (Snf2 related CREBBP activator protein; plus strand). Cytogenetic location: 16p11.2.
Variant type: single nucleotide variant.
Coding change: c.5503G>T on transcript NM_006662.3 (MANE Select); coding-DNA position 5503, G replaced by T.
Protein change: p.Val1835Phe; replaces valine 1835 with phenylalanine.
Molecular consequence: missense variant.
Genome position (GRCh38, 1-based): chr16:30,724,927, G>T. VCF-style: chr16-30724927-G-T. GRCh37 (hg19) VCF-style: chr16-30736248-G-T.
Other names: short protein forms V1835F.
Identifiers: ClinVar variation 3000518 (VCV003000518.3), dbSNP rs1048934999, ClinGen allele CA280513919.
Genomic context (GRCh38, chr16:30,724,927, plus strand): 5'-TCCCCAGCTTCCCAGGCATCTTCCCTTGTGGTTTCGGCATCTGGTGCCGCTCCCTTGCCT[G>T]TCACCATGGTATCCCGGCTGCCTGTTTCCAAGGATGAGCCTGACACACTGACATTGCGCT-3'
Protein context (NP_006653.2, residues 1825-1845): VSASGAAPLP[Val1835Phe]TMVSRLPVSK